The following is an entry in ClinVar:

NM_001378778.1(MPDZ):c.1087-1G>A

Gene: MPDZ (multiple PDZ domain crumbs cell polarity complex component; minus strand). Cytogenetic location: 9p23.
Variant type: single nucleotide variant.
Coding change: c.1087-1G>A on transcript NM_001378778.1 (MANE Select); the canonical splice acceptor site of the intron before coding-DNA position 1087, G replaced by A.
Molecular consequence: splice acceptor variant.
Genome position (GRCh38, 1-based): chr9:13,217,295, C>T on the plus strand (G>A on the coding strand, the complement: MPDZ is on the minus strand). VCF-style: chr9-13217295-C-T. GRCh37 (hg19) VCF-style: chr9-13217294-C-T.
Other names: c.1087-1G>A (NM_001375425.1, NM_001375420.1, NM_001375419.1 and 14 more transcripts).
Identifiers: ClinVar variation 1484757 (VCV001484757.32), dbSNP rs1463452514, ClinGen allele CA372945046.

ClinVar aggregate classification (germline): Pathogenic/Likely pathogenic. Review status: criteria provided, multiple submitters, no conflicts (2 of 4 stars). 2 submissions from 2 submitters: Pathogenic (1); Likely pathogenic (1). Last evaluated 2023-01-01.

Submissions (2):

CeGaT Center for Human Genetics Tuebingen
Classification: Pathogenic. Last evaluated: 2023-01-01. Review status: criteria provided, single submitter. Criteria: CeGaT Center For Human Genetics Tuebingen Variant Classification Criteria Version 2. Collection method: clinical testing. Allele origin: germline. Affected: yes. Observed: 1 variant allele.
Comment: MPDZ: PVS1, PM2

Labcorp Genetics (formerly Invitae), Labcorp
Classification: Likely pathogenic. Last evaluated: 2021-03-21. Review status: criteria provided, single submitter. Criteria: Invitae Variant Classification Sherloc (09022015). Collection method: clinical testing. Allele origin: germline.
Comment: In summary, the currently available evidence indicates that the variant is pathogenic, but additional data are needed to prove that conclusively. Therefore, this variant has been classified as Likely Pathogenic. Algorithms developed to predict the effect of sequence changes on RNA splicing suggest that this variant may disrupt the consensus splice site, but this prediction has not been confirmed by published transcriptional studies. This variant has not been reported in the literature in individuals with MPDZ-related conditions. This variant is not present in population databases (ExAC no frequency). This sequence change affects an acceptor splice site in intron 8 of the MPDZ gene. It is expected to disrupt RNA splicing. Variants that disrupt the donor or acceptor splice site typically lead to a loss of protein function (PMID: 16199547), and loss-of-function variants in MPDZ are known to be pathogenic (PMID: 23240096, 28556411).

Literature cited by the submitters: PubMed 16199547 (cited by Labcorp Genetics (formerly Invitae), Labcorp); PubMed 23240096 (cited by Labcorp Genetics (formerly Invitae), Labcorp); PubMed 28556411 (cited by Labcorp Genetics (formerly Invitae), Labcorp).